The following is an entry in ClinVar:

ClinVar aggregate classification (germline): Uncertain significance (1 of 4 stars; one submission).

Conditions:
Lissencephaly 10. Identifiers: MedGen C5394354, MONDO:0030031, OMIM 618873.

Submission:

Illumina Laboratory Services, Illumina
Classification: Uncertain significance for Lissencephaly 10. Last evaluated: 2021-04-28. Review status: criteria provided, single submitter. Criteria: ICSLVariantClassificationCriteria RUGD 01 April 2020. Collection method: clinical testing. Allele origin: unknown.
Comment: The CEP85L c.442A>G (p.Lys148Glu) variant, alternately annotated as c.451A>G (p.Lys151Glu) using the NM_001178035.1 transcript, is a missense variant. A literature search was performed for the gene, cDNA change, and amino acid change. No publications were found based on this search. This variant is not found in version 2.1.1 or version 3.1.1 of the Genome Aggregation Database despite its location in a region of good sequencing coverage, which suggests the variant is rare. Based on the limited evidence, the p.Lys148Glu variant is classified as a variant of uncertain significance for posterior predominant lissencephaly.

NM_001042475.3(CEP85L):c.442A>G (p.Lys148Glu)

Gene: CEP85L (centrosomal protein 85 like; minus strand). Cytogenetic location: 6q22.31.
Variant type: single nucleotide variant.
Coding change: c.442A>G on transcript NM_001042475.3 (MANE Select); coding-DNA position 442, A replaced by G.
Protein change: p.Lys148Glu; replaces lysine 148 with glutamic acid.
Molecular consequence: missense variant.
Genome position (GRCh38, 1-based): chr6:118,566,107, T>C on the plus strand (A>G on the coding strand, the complement: CEP85L is on the minus strand). VCF-style: chr6-118566107-T-C. GRCh37 (hg19) VCF-style: chr6-118887270-T-C.
Other names: c.451A>G, p.Lys151Glu (NM_001178035.2); c.442A>G, p.Lys148Glu (NM_206921.3); short protein forms K148E, K151E.
Identifiers: ClinVar variation 1328549 (VCV001328549.4), dbSNP rs2114998574, ClinGen allele CA365549921.
Genomic context (GRCh38, chr6:118,566,107, plus strand): 5'-AGTTATCCGGGGCAGTGAGTTTGGATAAAGATGACCATTTCCGAAGTGGCCGGAAGTCCT[T>C]CATGTCTAGGGAAGAGTCCTGCTCCCCCCTACTGTGGTTTCCCAATGTTTGCATGAGGCT-3'
Protein context (NP_001035940.1, residues 138-158): RGEQDSSLDM[Lys148Glu]DFRPLRKWSS